The following is an entry in ClinVar:

NM_006348.5(COG5):c.1724A>T (p.Glu575Val)

Gene: COG5 (component of oligomeric golgi complex 5; minus strand). Cytogenetic location: 7q22.3.
Variant type: single nucleotide variant.
Coding change: c.1724A>T on transcript NM_006348.5 (MANE Select); coding-DNA position 1724, A replaced by T.
Protein change: p.Glu575Val; replaces glutamic acid 575 with valine.
Molecular consequence: missense variant. On other transcripts: intron variant (2).
Genome position (GRCh38, 1-based): chr7:107,256,757, T>A on the plus strand (A>T on the coding strand, the complement: COG5 is on the minus strand). VCF-style: chr7-107256757-T-A. GRCh37 (hg19) VCF-style: chr7-106897202-T-A.
Other names: c.1724A>T, p.Glu575Val (NM_001161520.2, NM_001379513.1, NM_001379514.1); c.1562A>T, p.Glu521Val (NM_001379511.1); c.1154A>T, p.Glu385Val (NM_001379515.1); c.1010A>T, p.Glu337Val (NM_001379516.1); c.1576-8258A>T (NM_001379512.1); c.1686+1516A>T (NM_181733.4); short protein forms E337V, E521V, E575V, E385V.
Identifiers: ClinVar variation 1929774 (VCV001929774.2), dbSNP rs747457457, ClinGen allele CA4430819.
Genomic context (GRCh38, chr7:107,256,757, plus strand): 5'-TTTGATCTATAGAGTCAAAGATTAAATTCTTTTACCTTTAGAGCTGAAATTATAGTTTGC[T>A]CAGCTGCCAGTGGGAATGAGCTCTGACTGGAAACAACCTAGAACAAGGTTTTGATCCAGT-3'
Protein context (NP_006339.4, residues 565-585): SSQSSFPLAA[Glu575Val]QTIISALKAI

ClinVar aggregate classification (germline): Uncertain significance (1 of 4 stars; one submission).

Conditions:
COG5-congenital disorder of glycosylation. Also called: CDG IIi; CONGENITAL DISORDER OF GLYCOSYLATION, TYPE IIi; COG5-CDG. Identifiers: Orphanet 263487, MedGen C3150876, MONDO:0013325, OMIM 613612.

gnomAD v4.1: 7 of 1,610,940 alleles (0.00043%); highest among the groups gnomAD compares: Admixed American, 0.0017%; no homozygotes.

Submission:

Labcorp Genetics (formerly Invitae), Labcorp
Classification: Uncertain significance for COG5-congenital disorder of glycosylation. Last evaluated: 2022-08-19. Review status: criteria provided, single submitter. Criteria: Invitae Variant Classification Sherloc (09022015). Collection method: clinical testing. Allele origin: germline.
Comment: This sequence change replaces glutamic acid, which is acidic and polar, with valine, which is neutral and non-polar, at codon 606 of the COG5 protein (p.Glu606Val). This variant is present in population databases (rs747457457, gnomAD 0.0008%). This variant has not been reported in the literature in individuals affected with COG5-related conditions. Algorithms developed to predict the effect of missense changes on protein structure and function (SIFT, PolyPhen-2, Align-GVGD) all suggest that this variant is likely to be tolerated. In summary, the available evidence is currently insufficient to determine the role of this variant in disease. Therefore, it has been classified as a Variant of Uncertain Significance.